The following is an entry in ClinVar:

ClinVar aggregate classification (germline): Likely benign (1 of 4 stars; one submission).

gnomAD v4.1: 125 of 1,614,164 alleles (0.0077%); highest among the groups gnomAD compares: South Asian, 0.027%; no homozygotes.

Submission:

CeGaT Center for Human Genetics Tuebingen
Classification: Likely benign. Last evaluated: 2025-11-01. Review status: criteria provided, single submitter. Criteria: CeGaT Center For Human Genetics Tuebingen Variant Classification Criteria Version 2. Collection method: clinical testing. Allele origin: germline. Affected: yes. Observed: 1 variant allele.
Comment: DNAJC13: BP4, BP7

NM_015268.4(DNAJC13):c.6138G>A (p.Pro2046=)

Gene: DNAJC13 (DnaJ heat shock protein family (Hsp40) member C13; plus strand). Cytogenetic location: 3q22.1.
Variant type: single nucleotide variant.
Coding change: c.6138G>A on transcript NM_015268.4 (MANE Select); coding-DNA position 6138, G replaced by A.
Protein change: p.Pro2046=; no amino-acid change (proline 2046 retained).
Molecular consequence: synonymous variant.
Genome position (GRCh38, 1-based): chr3:132,525,687, G>A. VCF-style: chr3-132525687-G-A. GRCh37 (hg19) VCF-style: chr3-132244531-G-A.
Other names: c.6153G>A, p.Pro2051= (NM_001329126.2).
Identifiers: ClinVar variation 4533745 (VCV004533745.6).
Genomic context (GRCh38, chr3:132,525,687, plus strand): 5'-CTTGACAATGGCAACAGTGTGTCTCTTCAGCGCACAACCTCAGCTGGCAGATCAGGTCCC[G>A]CCATTGGGCCATCTTCCCAAAGTTATCCAGGCAATGAATCATAGGAACAATGCCATTCCT-3'
Protein context (NP_056083.3, residues 2036-2056): SAQPQLADQV[Pro2046=]PLGHLPKVIQ